The following is an entry in ClinVar:

NM_000138.5(FBN1):c.2665del (p.Leu889fs)

Gene: FBN1 (fibrillin 1; minus strand). Cytogenetic location: 15q21.1.
Variant type: Deletion.
Coding change: c.2665del on transcript NM_000138.5 (MANE Select); coding-DNA position 2665, one base deleted (C; older notation c.2665delC).
Protein change: p.Leu889fs; shifts the reading frame from leucine 889.
Molecular consequence: frameshift variant.
Genome position (GRCh38, 1-based): chr15:48,495,135, G deleted on the plus strand (C on the coding strand, the reverse complement: FBN1 is on the minus strand); the first of 3 consecutive G bases (chr15:48,495,135-48,495,137); deleting any one gives the same sequence. VCF-style (leftmost placement, unchanged base first): chr15-48495134-AG-A. GRCh37 (hg19) VCF-style: chr15-48787331-AG-A.
Other names: c.2665delC (NM_000138.4); short protein forms L889fs.
Identifiers: ClinVar variation 519793 (VCV000519793.5), dbSNP rs1555399147, ClinGen allele CA658798339.

ClinVar aggregate classification (germline): Pathogenic (1 of 4 stars; one submission).

Conditions:
Familial thoracic aortic aneurysm and aortic dissection (TAAD). Also called: Thoracic aortic aneurysms and dissections. Identifiers: Orphanet 91387, MedGen C4707243, MONDO:0019625.

Submission:

Ambry Genetics
Classification: Pathogenic for Familial thoracic aortic aneurysm and aortic dissection. Last evaluated: 2017-09-20. Review status: criteria provided, single submitter. Criteria: Ambry Variant Classification Scheme 2023. Collection method: clinical testing. Allele origin: germline.
Comment: The c.2665delC pathogenic mutation, located in coding exon 21 of the FBN1 gene, results from a deletion of one nucleotide at nucleotide position 2665, causing a translational frameshift with a predicted alternate stop codon (p.L889Yfs*23). This alteration is expected to result in loss of function by premature protein truncation or nonsense-mediated mRNA decay. As such, this alteration is interpreted as a disease-causing mutation.